The following is an entry in ClinVar:

NM_001127392.3(MYRF):c.2227C>T (p.Pro743Ser)

Gene: MYRF (myelin regulatory factor; plus strand). Cytogenetic location: 11q12.2.
Variant type: single nucleotide variant.
Coding change: c.2227C>T on transcript NM_001127392.3 (MANE Select); coding-DNA position 2227, C replaced by T.
Protein change: p.Pro743Ser; replaces proline 743 with serine.
Molecular consequence: missense variant.
Genome position (GRCh38, 1-based): chr11:61,779,550, C>T. VCF-style: chr11-61779550-C-T. GRCh37 (hg19) VCF-style: chr11-61547022-C-T.
Other names: c.2227C>T (NM_001127392.2); c.2200C>T, p.Pro734Ser (NM_013279.4); short protein forms P743S, P734S.
Identifiers: ClinVar variation 2350073 (VCV002350073.5), dbSNP rs764008852, ClinGen allele CA6038071.

ClinVar aggregate classification (germline): Uncertain significance. Review status: criteria provided, multiple submitters, no conflicts (2 of 4 stars). 3 submissions from 3 submitters: Uncertain significance (3). Last evaluated 2025-02-13.

Conditions:
MYRF-related disorder. Also called: MYRF-related disorders; MYRF-related condition.
Inborn genetic diseases. Identifiers: MedGen C0950123, MeSH D030342.

Allele frequency attached by ClinVar (database versions not stated): gnomAD exomes 0.00006; gnomAD 0.00010; TOPMed 0.00015; ExAC 0.00024.
gnomAD v4.1: 99 of 1,504,568 alleles (0.0066%); highest among the groups gnomAD compares: Admixed American, 0.039%; 1 homozygote.

Submissions (3):

GeneDx
Classification: Uncertain significance. Last evaluated: 2025-02-13. Review status: criteria provided, single submitter. Criteria: GeneDx Variant Classification Process June 2021. Collection method: clinical testing. Allele origin: germline.
Comment: In silico analysis supports that this missense variant has a deleterious effect on protein structure/function; Has not been previously published as pathogenic or benign to our knowledge

PreventionGenetics, part of Exact Sciences
Classification: Uncertain significance for MYRF-related condition. Last evaluated: 2024-12-31. Review status: criteria provided, single submitter. Criteria: ACMG Guidelines, 2015. Collection method: clinical testing. Allele origin: germline.
Comment: The MYRF c.2227C>T variant is predicted to result in the amino acid substitution p.Pro743Ser. To our knowledge, this variant has not been reported in the literature. This variant is reported in 0.040% of alleles in individuals of Latino descent in gnomAD. At this time, the clinical significance of this variant is uncertain due to the absence of conclusive functional and genetic evidence.

Ambry Genetics
Classification: Uncertain significance for Inborn genetic diseases. Last evaluated: 2021-07-20. Review status: criteria provided, single submitter. Criteria: Ambry Variant Classification Scheme 2023. Collection method: clinical testing. Allele origin: germline.